The following is an entry in ClinVar:

NM_001122659.3(EDNRB):c.761T>C (p.Ile254Thr)

Genes: EDNRB (endothelin receptor type B; minus strand), EDNRB-AS1 (EDNRB antisense RNA 1; plus strand). Cytogenetic location: 13q22.3.
Variant type: single nucleotide variant.
Coding change: c.761T>C on transcript NM_001122659.3 (MANE Select); coding-DNA position 761, T replaced by C.
Protein change: p.Ile254Thr; replaces isoleucine 254 with threonine.
Molecular consequence: missense variant.
Genome position (GRCh38, 1-based): chr13:77,903,196, A>G on the plus strand (T>C on the coding strand, the complement: EDNRB is on the minus strand). VCF-style: chr13-77903196-A-G. GRCh37 (hg19) VCF-style: chr13-78477331-A-G.
Other names: c.761T>C, p.Ile254Thr (NM_000115.5, NM_003991.4); c.1031T>C, p.Ile344Thr (NM_001201397.2); short protein forms I254T, I344T.
Identifiers: ClinVar variation 3368940 (VCV003368940.1).

ClinVar aggregate classification (germline): Uncertain significance (1 of 4 stars; one submission).

gnomAD v4.1: 16 of 1,612,836 alleles (0.00099%); highest among the groups gnomAD compares: African/African-American, 0.021%; no homozygotes.

Submission:

GeneDx
Classification: Uncertain significance. Last evaluated: 2024-02-08. Review status: criteria provided, single submitter. Criteria: GeneDx Variant Classification Process June 2021. Collection method: clinical testing. Allele origin: germline. Affected: yes.
Comment: In silico analysis supports that this missense variant does not alter protein structure/function; Has not been previously published as pathogenic or benign to our knowledge